The following is an entry in ClinVar:

ClinVar aggregate classification (germline): Uncertain significance. Review status: criteria provided, multiple submitters, no conflicts (2 of 4 stars). 2 submissions from 2 submitters: Uncertain significance (2). Last evaluated 2024-10-14.

Conditions:
Alstrom syndrome (ALMS). Identifiers: Orphanet 64, MedGen C0268425, MONDO:0008763, OMIM 203800.
Cardiovascular phenotype. Identifiers: MedGen CN230736.

Allele frequency attached by ClinVar (database versions not stated): gnomAD exomes below 0.00001; TOPMed below 0.00001.
gnomAD v4.1: 3 of 1,614,088 alleles (0.00019%); highest among the groups gnomAD compares: South Asian, 0.0011%; no homozygotes.

Submissions (2):

Labcorp Genetics (formerly Invitae), Labcorp
Classification: Uncertain significance for Alstrom syndrome. Last evaluated: 2024-10-14. Review status: criteria provided, single submitter. Criteria: Invitae Variant Classification Sherloc (09022015). Collection method: clinical testing. Allele origin: germline.
Comment: This sequence change replaces tyrosine, which is neutral and polar, with histidine, which is basic and polar, at codon 1723 of the ALMS1 protein (p.Tyr1723His). This variant is present in population databases (no rsID available, gnomAD 0.0009%). This variant has not been reported in the literature in individuals affected with ALMS1-related conditions. ClinVar contains an entry for this variant (Variation ID: 1745758). Experimental studies and prediction algorithms are not available or were not evaluated, and the functional significance of this variant is currently unknown. In summary, the available evidence is currently insufficient to determine the role of this variant in disease. Therefore, it has been classified as a Variant of Uncertain Significance.

Ambry Genetics
Classification: Uncertain significance for Cardiovascular phenotype. Last evaluated: 2022-09-12. Review status: criteria provided, single submitter. Criteria: Ambry Variant Classification Scheme 2023. Collection method: clinical testing. Allele origin: germline.
Comment: The p.Y1723H variant (also known as c.5167T>C), located in coding exon 8 of the ALMS1 gene, results from a T to C substitution at nucleotide position 5167. The tyrosine at codon 1723 is replaced by histidine, an amino acid with similar properties. This amino acid position is not well conserved in available vertebrate species. In addition, this alteration is predicted to be tolerated by in silico analysis. Since supporting evidence is limited at this time, the clinical significance of this alteration remains unclear.

NM_001378454.1(ALMS1):c.5164T>C (p.Tyr1722His)

Gene: ALMS1 (ALMS1 centrosome and basal body associated protein; plus strand). Cytogenetic location: 2p13.1.
Variant type: single nucleotide variant.
Coding change: c.5164T>C on transcript NM_001378454.1 (MANE Select); coding-DNA position 5164, T replaced by C.
Protein change: p.Tyr1722His; replaces tyrosine 1722 with histidine.
Molecular consequence: missense variant.
Genome position (GRCh38, 1-based): chr2:73,451,691, T>C. VCF-style: chr2-73451691-T-C. GRCh37 (hg19) VCF-style: chr2-73678818-T-C.
Other names: c.5167T>C, p.Tyr1723His (NM_015120.4); short protein forms Y1722H, Y1723H.
Identifiers: ClinVar variation 1745758 (VCV001745758.6), dbSNP rs1283872152, ClinGen allele CA347280208.